The following is an entry in ClinVar:

NM_000135.4(FANCA):c.4015C>T (p.Leu1339Phe)

Genes: FANCA (FA complementation group A; minus strand), ZNF276 (zinc finger protein 276; plus strand). Cytogenetic location: 16q24.3.
Variant type: single nucleotide variant.
Coding change: c.4015C>T on transcript NM_000135.4 (MANE Select); coding-DNA position 4015, C replaced by T.
Protein change: p.Leu1339Phe; replaces leucine 1339 with phenylalanine.
Molecular consequence: missense variant. On other transcripts: 3 prime UTR variant (2), non-coding transcript variant (4).
Genome position (GRCh38, 1-based): chr16:89,739,285, G>A on the plus strand (C>T on the coding strand, the complement: FANCA is on the minus strand). VCF-style: chr16-89739285-G-A. GRCh37 (hg19) VCF-style: chr16-89805693-G-A.
Other names: p.Leu1339Phe; c.4015C>T (NM_000135.3); c.4015C>T, p.Leu1339Phe (NM_001286167.3); c.*1039G>A (NM_001113525.2, NM_152287.4); short protein forms L1339F.
Identifiers: ClinVar variation 134280 (VCV000134280.22), dbSNP rs149775657, ClinGen allele CA159343.
Genomic context (GRCh38, chr16:89,739,285, plus strand): 5'-CCACAGCAACATGCAGGAAGGCCTCTTCCCTGATGGCCGCGTCTTCATGGAAGTAGGAGA[G>A]AAGACTAGAGGTAAAGACATAGTGACAAATGGCTACAGACTGCTGGAAAGGTAGCAGGTG-3'
Protein context (NP_000126.2, residues 1329-1349): RLLPFAFYSL[Leu1339Phe]SYFHEDAAIR

ClinVar aggregate classification (germline): Conflicting classifications of pathogenicity. Review status: criteria provided, conflicting classifications (1 of 4 stars). 13 submissions from 13 submitters: Uncertain significance (9); Likely benign (1). 3 of the submissions do not count toward it. Last evaluated 2026-04-03.

Conditions:
FANCA-related disorder. Also called: FANCA-related condition.
Fanconi anemia (FA). Also called: Fanconi's anemia. Identifiers: Orphanet 84, MedGen C0015625, MeSH D005199, MONDO:0019391.
Fanconi anemia complementation group A (FANCA). Also called: FANCA-Related Fanconi Anemia; Fanconi anemia, group A. Identifiers: Orphanet 84, MedGen C3469521, MONDO:0009215, OMIM 227650.

Allele frequency attached by ClinVar (database versions not stated): ExAC 0.00004; gnomAD exomes 0.00004 and 0.00005; ESP Exome Variant Server 0.00008; gnomAD 0.00013 and 0.00015; TOPMed 0.00022; 1000 Genomes Project 0.00060; 1000 Genomes Project 30x 0.00062.
gnomAD v4.1: 96 of 1,614,130 alleles (0.0059%); highest among the groups gnomAD compares: African/African-American, 0.052%; no homozygotes.

Submissions (13):

Myriad Genetics, Inc.
Classification: Uncertain significance for Fanconi anemia complementation group A. Last evaluated: 2026-04-03. Review status: criteria provided, single submitter. Criteria: Myriad Autosomal Dominant, Autosomal Recessive and X-Linked Classification Criteria (2023). Collection method: clinical testing. Allele origin: unknown.
Comment: NM_000135.2(FANCA):c.4015C>T(L1339F) is a missense variant classified as a variant of uncertain significance in the context of Fanconi anemia complementation group A. L1339F has not been observed in cases with relevant disease. Relevant functional assessments of this variant are not available in the literature. L1339F has been observed in referenced population frequency databases. In summary, there is insufficient evidence to classify NM_000135.2(FANCA):c.4015C>T(L1339F) as pathogenic or benign. Please note: this variant was assessed in the context of healthy population screening.

Labcorp Genetics (formerly Invitae), Labcorp
Classification: Likely benign for Fanconi anemia. Last evaluated: 2026-02-01. Review status: criteria provided, single submitter. Criteria: Invitae Variant Classification Sherloc (09022015). Collection method: clinical testing. Allele origin: germline.

Quest Diagnostics Nichols Institute San Juan Capistrano
Classification: Uncertain significance. Last evaluated: 2025-05-07. Review status: criteria provided, single submitter. Criteria: Quest Diagnostics criteria. Collection method: clinical testing. Allele origin: unknown.
Comment: The FANCA c.4015C>T (p.Leu1339Phe) variant has been reported in the published literature in an individual with prostate cancer (PMID: 36898365 (2023)), and in reportedly unaffected individuals (PMID: 24728327 (2014), 29641532 (2018)). The frequency of this variant in the general population (Genome Aggregation Database) is uninformative in the assessment of its pathogenicity. Analysis of this variant using bioinformatics tools for the prediction of the effect of amino acid changes on protein structure and function yielded conflicting predictions that this variant is benign or damaging. Based on the available information, we are unable to determine the clinical significance of this variant.

PreventionGenetics, part of Exact Sciences
Classification: Uncertain significance for FANCA-related condition. Last evaluated: 2025-04-24. Review status: criteria provided, single submitter. Criteria: ACMG Guidelines, 2015. Collection method: clinical testing. Allele origin: germline.
Comment: The FANCA c.4015C>T variant is predicted to result in the amino acid substitution p.Leu1339Phe. This variant has been reported in two individuals (who both also carried the c.764_766delGAA variant) from a study of germline variation in a healthy, ancestrally diverse cohort (Table S1, Bodian et al. 2014. PubMed ID: 24728327; Supplementary Table UK10K_AR, Pritchard et al. 2018. PubMed ID: 29641532). The c.4015C>T and the c.764_766delGAA variants were identified in a computational study for DNA-damage response proteins and both were classified as uncertain (Supplemental document_MOESM2_sheet 8, Magraner-Pardo et al. 2021. PubMed Link: 34253785). The c.4015C>T variant has been noted in cis with the c.764_766delGAA variant in the compound heterozygous state with another FANCA uncertain variant c.553C>A in two unrelated individuals with features suggestive for Fanconi anemia (Internal Data, PreventionGenetics). This variant is reported in 0.028% of alleles in individuals of African descent in gnomAD. This variant has conflicting classifications listed in ClinVar ranging from likely benign to uncertain. At this time, the clinical significance of this variant is uncertain due to the absence of conclusive functional and genetic evidence.

GeneDx
Classification: Uncertain significance. Last evaluated: 2025-03-19. Review status: criteria provided, single submitter. Criteria: GeneDx Variant Classification Process June 2021. Collection method: clinical testing. Allele origin: germline. Affected: yes.
Comment: In silico analysis supports that this missense variant has a deleterious effect on protein structure/function; This variant is associated with the following publications: (PMID: 24728327, 36898365, 29641532)

Blueprint Genetics
Classification: Uncertain significance. Last evaluated: 2024-11-25. Review status: criteria provided, single submitter. Criteria: ACMG Guidelines, 2015. Collection method: clinical testing. Allele origin: germline.

Mayo Clinic Laboratories, Mayo Clinic
Classification: Uncertain significance. Last evaluated: 2022-09-13. Review status: criteria provided, single submitter. Criteria: ACMG Guidelines, 2015. Collection method: clinical testing. Allele origin: germline. Observed: 1 variant allele.

Sema4
Classification: Uncertain significance for Fanconi anemia. Last evaluated: 2022-01-26. Review status: criteria provided, single submitter. Criteria: Sema4 Curation Guidelines. Collection method: curation. Allele origin: germline.
Comment: To the best of our knowledge, the FANCA c.4015C>T (p.L1339F) variant has not been reported in individuals with FANCA-related disease. It was observed in 7/24954 chromosomes of the African/African American subpopulation in the large and broad cohorts of the Genome Aggregation Database (PMID: 32461654). The variant has been reported in ClinVar (Variation ID 134280). Functional studies have not been performed, and in silico predictions of the variant's effect on protein function are inconclusive. The evidence is insufficient to meet ACMG/AMP criteria for classifying the variant as benign or pathogenic. Thus, the clinical significance of this variant is currently uncertain.

Baylor Genetics
Classification: Uncertain significance for Fanconi anemia complementation group A. Last evaluated: 2019-11-26. Review status: criteria provided, single submitter. Criteria: ACMG Guidelines, 2015. Collection method: clinical testing. Allele origin: unknown. Affected: yes.
Comment: This variant was determined to be of uncertain significance according to ACMG Guidelines, 2015 [PMID:25741868].

Revvity Omics, Revvity
Classification: Uncertain significance for Fanconi anemia complementation group A. Last evaluated: 2019-05-31. Review status: criteria provided, single submitter. Criteria: ACMG Guidelines, 2015. Collection method: clinical testing. Allele origin: germline.

Natera, Inc.
Classification: Uncertain significance for Fanconi anemia, group A. Last evaluated: 2020-09-16. Review status: no assertion criteria provided. Collection method: clinical testing. Allele origin: germline. Not counted in ClinVar's aggregate classification.

Counsyl
Classification: Uncertain significance for Fanconi anemia complementation group A. Last evaluated: 2017-04-18. Review status: no assertion criteria provided. Collection method: clinical testing. Allele origin: unknown. Not counted in ClinVar's aggregate classification.

ITMI
No classification provided. Condition: AllHighlyPenetrant. Last evaluated: 2013-09-19. Review status: no classification provided. Collection method: reference population. Allele origin: germline. Not counted in ClinVar's aggregate classification.
Comment: Please see associated publication for description of ethnicities

Literature cited by the submitters: PubMed 36898365 (cited by Quest Diagnostics Nichols Institute San Juan Capistrano); PubMed 29641532 (cited by Quest Diagnostics Nichols Institute San Juan Capistrano); PubMed 24728327 (cited by Quest Diagnostics Nichols Institute San Juan Capistrano and ITMI); PubMed 31698007 (cited by Quest Diagnostics Nichols Institute San Juan Capistrano).